The following is an entry in ClinVar:

ClinVar aggregate classification (germline): Benign/Likely benign. Review status: criteria provided, multiple submitters, no conflicts (2 of 4 stars). 3 submissions from 3 submitters: Benign (1); Likely benign (2). Last evaluated 2025-08-17.

Conditions:
Hereditary nonpolyposis colorectal neoplasms. Identifiers: MedGen C0009405, MeSH D003123.
Hereditary cancer-predisposing syndrome. Also called: Hereditary Cancer Syndrome; Hereditary neoplastic syndrome; Neoplastic Syndromes, Hereditary; Tumor predisposition. Identifiers: Orphanet 140162, MedGen C0027672, MeSH D009386, MONDO:0015356.
Lynch syndrome 5 (LYNCH5). Also called: Hereditary non-polyposis colorectal cancer, type 5; Colorectal cancer, hereditary nonpolyposis, type 5. Identifiers: Orphanet 144, MedGen C1833477, MONDO:0013710, OMIM 614350. Disease mechanism: loss of function.

Allele frequency attached by ClinVar (database versions not stated): gnomAD exomes below 0.00001.
gnomAD v4.1: 2 of 1,613,950 alleles (0.00012%); highest among the groups gnomAD compares: Non-Finnish European, 0.00017%; no homozygotes.

Submissions (3):

Labcorp Genetics (formerly Invitae), Labcorp
Classification: Likely benign for Hereditary nonpolyposis colorectal neoplasms. Last evaluated: 2025-08-17. Review status: criteria provided, single submitter. Criteria: Invitae Variant Classification Sherloc (09022015). Collection method: clinical testing. Allele origin: germline.

Myriad Genetics, Inc.
Classification: Benign for Lynch syndrome 5. Last evaluated: 2024-12-26. Review status: criteria provided, single submitter. Criteria: Myriad Autosomal Dominant, Autosomal Recessive and X-Linked Classification Criteria (2023). Collection method: clinical testing. Allele origin: unknown.
Comment: This variant is considered benign. This variant is a silent/synonymous amino acid change and it is not expected to impact splicing.

Ambry Genetics
Classification: Likely benign for Hereditary cancer-predisposing syndrome. Last evaluated: 2021-03-02. Review status: criteria provided, single submitter. Criteria: Ambry Variant Classification Scheme 2023. Collection method: clinical testing. Allele origin: germline.

NM_000179.3(MSH6):c.1323T>C (p.Leu441=)

Gene: MSH6 (mutS homolog 6; plus strand). Cytogenetic location: 2p16.3.
Variant type: single nucleotide variant.
Coding change: c.1323T>C on transcript NM_000179.3 (MANE Select); coding-DNA position 1323, T replaced by C.
Protein change: p.Leu441=; no amino-acid change (leucine 441 retained).
Molecular consequence: synonymous variant. On other transcripts: non-coding transcript variant (4), intron variant (1).
Genome position (GRCh38, 1-based): chr2:47,799,306, T>C. VCF-style: chr2-47799306-T-C. GRCh37 (hg19) VCF-style: chr2-48026445-T-C.
Other names: c.933T>C, p.Leu311= (NM_001281492.2); c.417T>C, p.Leu139= (NM_001281493.2, NM_001281494.2, NM_001406811.1 and 6 more transcripts); c.1419T>C, p.Leu473= (NM_001406795.1, NM_001406802.1); c.1323T>C, p.Leu441= (NM_001406796.1, NM_001406798.1, NM_001406800.1 and 4 more transcripts); c.1026T>C, p.Leu342= (NM_001406797.1, NM_001406801.1, NM_001406805.1 and 10 more transcripts); c.798T>C, p.Leu266= (NM_001406799.1, NM_001406806.1, NM_001406807.1); c.1245T>C, p.Leu415= (NM_001406804.1); c.1329T>C, p.Leu443= (NM_001406813.1); and 2 more.
Identifiers: ClinVar variation 1769959 (VCV001769959.4), dbSNP rs1361630967, ClinGen allele CA426121006.
Genomic context (GRCh38, chr2:47,799,306, plus strand): 5'-TGATCTTGTCATCTGTTACAAGGTGGGGAAATTTTATGAGCTGTACCACATGGATGCTCT[T>C]ATTGGAGTCAGTGAACTGGGGCTGGTATTCATGAAAGGCAACTGGGCCCATTCTGGCTTT-3'
Protein context (NP_000170.1, residues 431-451): KFYELYHMDA[Leu441=]IGVSELGLVF